The following is an entry in ClinVar:

ClinVar aggregate classification (germline): Uncertain significance. Review status: criteria provided, multiple submitters, no conflicts (2 of 4 stars). 2 submissions from 2 submitters: Uncertain significance (2). Last evaluated 2025-03-15.

Allele frequency attached by ClinVar (database versions not stated): gnomAD 0.00001; gnomAD exomes 0.00001; TOPMed 0.00001; ExAC 0.00001.
gnomAD v4.1: 21 of 1,613,950 alleles (0.0013%); highest among the groups gnomAD compares: African/African-American, 0.0027%; no homozygotes.

Submissions (2):

Ambry Genetics
Classification: Uncertain significance. Last evaluated: 2025-03-15. Review status: criteria provided, single submitter. Criteria: Ambry Variant Classification Scheme 2023. Collection method: clinical testing. Allele origin: germline.

Labcorp Genetics (formerly Invitae), Labcorp
Classification: Uncertain significance. Last evaluated: 2021-03-25. Review status: criteria provided, single submitter. Criteria: Invitae Variant Classification Sherloc (09022015). Collection method: clinical testing. Allele origin: germline.
Comment: In summary, the available evidence is currently insufficient to determine the role of this variant in disease. Therefore, it has been classified as a Variant of Uncertain Significance. Algorithms developed to predict the effect of missense changes on protein structure and function (SIFT, PolyPhen-2, Align-GVGD) all suggest that this variant is likely to be tolerated, but these predictions have not been confirmed by published functional studies and their clinical significance is uncertain. This variant has not been reported in the literature in individuals with CXCR2-related conditions. This variant is present in population databases (rs764203501, ExAC 0.01%). This sequence change replaces arginine with cysteine at codon 288 of the CXCR2 protein (p.Arg288Cys). The arginine residue is moderately conserved and there is a large physicochemical difference between arginine and cysteine.

NM_001557.4(CXCR2):c.862C>T (p.Arg288Cys)

Gene: CXCR2 (C-X-C motif chemokine receptor 2; plus strand). Cytogenetic location: 2q35.
Variant type: single nucleotide variant.
Coding change: c.862C>T on transcript NM_001557.4 (MANE Select); coding-DNA position 862, C replaced by T.
Protein change: p.Arg288Cys; replaces arginine 288 with cysteine.
Molecular consequence: missense variant.
Genome position (GRCh38, 1-based): chr2:218,135,663, C>T. VCF-style: chr2-218135663-C-T. GRCh37 (hg19) VCF-style: chr2-219000386-C-T.
Other names: c.862C>T, p.Arg288Cys (NM_001168298.2); c.862C>T (NM_001557.3); short protein forms R288C.
Identifiers: ClinVar variation 1516143 (VCV001516143.7), dbSNP rs764203501, ClinGen allele CA2101795.
Genomic context (GRCh38, chr2:218,135,663, plus strand): 5'-AACCTGGTCCTGCTGGCAGACACCCTCATGAGGACCCAGGTGATCCAGGAGACCTGTGAG[C>T]GCCGCAATCACATCGACCGGGCTCTGGATGCCACCGAGATTCTGGGCATCCTTCACAGCT-3'
Protein context (NP_001548.1, residues 278-298): RTQVIQETCE[Arg288Cys]RNHIDRALDA